The following is an entry in ClinVar:

ClinVar aggregate classification (germline): Uncertain significance (1 of 4 stars; one submission).

Conditions:
Hereditary cancer-predisposing syndrome. Also called: Neoplastic Syndromes, Hereditary; Tumor predisposition; Hereditary Cancer Syndrome; Hereditary neoplastic syndrome. Identifiers: Orphanet 140162, MedGen C0027672, MeSH D009386, MONDO:0015356.

Submission:

Ambry Genetics
Classification: Uncertain significance for Hereditary cancer-predisposing syndrome. Last evaluated: 2025-09-20. Review status: criteria provided, single submitter. Criteria: Ambry Variant Classification Scheme 2023. Collection method: clinical testing. Allele origin: germline.
Comment: The p.D233V variant (also known as c.698A>T), located in coding exon 5 of the CTNNA1 gene, results from an A to T substitution at nucleotide position 698. The aspartic acid at codon 233 is replaced by valine, an amino acid with highly dissimilar properties. This amino acid position is conserved. In addition, this alteration is predicted to be deleterious by in silico analysis. Based on the available evidence, the clinical significance of this variant remains unclear.

NM_001903.5(CTNNA1):c.698A>T (p.Asp233Val)

Gene: CTNNA1 (catenin alpha 1; plus strand). Cytogenetic location: 5q31.2.
Variant type: single nucleotide variant.
Coding change: c.698A>T on transcript NM_001903.5 (MANE Select); coding-DNA position 698, A replaced by T.
Protein change: p.Asp233Val; replaces aspartic acid 233 with valine.
Molecular consequence: missense variant.
Genome position (GRCh38, 1-based): chr5:138,824,639, A>T. VCF-style: chr5-138824639-A-T. GRCh37 (hg19) VCF-style: chr5-138160328-A-T.
Other names: c.389A>T, p.Asp130Val (NM_001290309.3); c.329A>T, p.Asp110Val (NM_001290310.3); c.698A>T, p.Asp233Val (NM_001323982.2, NM_001323983.1, NM_001323984.2 and 3 more transcripts); short protein forms D233V, D130V, D110V.
Identifiers: ClinVar variation 4635383 (VCV004635383.1).
Genomic context (GRCh38, chr5:138,824,639, plus strand): 5'-TCCTGCAGAAGAACGTTCCGATCCTCTATACTGCATCCCAGGCATGCCTACAGCACCCTG[A>T]TGTCGCAGCCTATAAGGCCAACAGGGACCTGATATACAAGCAGCTGCAGCAGGCGGTCAC-3'
Protein context (NP_001894.2, residues 223-243): TASQACLQHP[Asp233Val]VAAYKANRDL